The following is an entry in ClinVar:

NM_000451.4(SHOX):c.442G>T (p.Glu148Ter)

Genes: SHOX (SHOX homeobox; plus strand), LOC107652445 (meiotic recombination hotspot SHOX; plus strand). Cytogenetic location: Xp22.33.
Variant type: single nucleotide variant.
Coding change: c.442G>T on transcript NM_000451.4 (MANE Select); coding-DNA position 442, G replaced by T.
Protein change: p.Glu148Ter; replaces glutamic acid 148 with a stop codon.
Molecular consequence: nonsense.
Genome position (GRCh38, 1-based): chrX:634,782, G>T. VCF-style: chrX-634782-G-T. GRCh37 (hg19) VCF-style: chrX-595517-G-T.
Other names: c.442G>T, p.Glu148Ter (NM_006883.2); short protein forms E148*.
Identifiers: ClinVar variation 3030748 (VCV003030748.2), dbSNP rs2522102225, ClinGen allele CA412231500.

ClinVar aggregate classification (germline): Pathogenic (0 of 4 stars; one submission).

Conditions:
SHOX-related disorder. Also called: SHOX-related condition.

Submission:

PreventionGenetics, part of Exact Sciences
Classification: Pathogenic for SHOX-related condition. Last evaluated: 2023-12-18. Review status: no assertion criteria provided. Collection method: clinical testing. Allele origin: germline.
Comment: The SHOX c.442G>T variant is predicted to result in premature protein termination (p.Glu148*). This variant was reported in at least one individual with short stature (Rappold et al. 2007. PubMed ID: 17182655). This variant has not been reported in a large population database, indicating this variant is rare. Nonsense variants in SHOX are expected to be pathogenic. This variant is interpreted as pathogenic.